The following is an entry in ClinVar:

ClinVar aggregate classification (germline): Uncertain significance (1 of 4 stars; one submission).

Conditions:
Familial cold autoinflammatory syndrome 2 (FCAS2). Identifiers: Orphanet 247868, MedGen C2673198, MONDO:0012724, OMIM 611762.

Submission:

Labcorp Genetics (formerly Invitae), Labcorp
Classification: Uncertain significance for Familial cold autoinflammatory syndrome 2. Last evaluated: 2022-05-07. Review status: criteria provided, single submitter. Criteria: Invitae Variant Classification Sherloc (09022015). Collection method: clinical testing. Allele origin: germline.
Comment: In summary, the available evidence is currently insufficient to determine the role of this variant in disease. Therefore, it has been classified as a Variant of Uncertain Significance. This variant has not been reported in the literature in individuals affected with NLRP12-related conditions. This variant is a gross deletion of the genomic region encompassing exon(s) 10 of the NLRP12 gene, which includes the termination codon. This deletion extends beyond the assayed region for this gene and therefore may encompass additional genes. While this deletion is not anticipated to lead to nonsense mediated decay, it is expected to alter mRNA translation or result in a truncated protein product.

NC_000019.9:g.(?_54297303)_(54297410_?)del

Gene: NLRP12 (NLR family pyrin domain containing 12; minus strand). Cytogenetic location: 19q13.42.
Variant type: Deletion.
Identifiers: ClinVar variation 1412741 (VCV001412741.5).